The following is an entry in ClinVar:

ClinVar aggregate classification (germline): Pathogenic/Likely pathogenic. Review status: criteria provided, multiple submitters, no conflicts (2 of 4 stars). 2 submissions from 2 submitters: Pathogenic (1); Likely pathogenic (1). Last evaluated 2024-04-04.

Conditions:
Neuronopathy, distal hereditary motor, autosomal recessive 4. Also called: NEUROPATHY, DISTAL HEREDITARY MOTOR, AUTOSOMAL RECESSIVE 4; Autosomal recessive lower motor neuron disease with childhood onset. Identifiers: Orphanet 206580, MedGen C1970211, MONDO:0012608, OMIM 611067.
Charcot-Marie-Tooth disease recessive intermediate C. Also called: CHARCOT-MARIE-TOOTH NEUROPATHY, RECESSIVE INTERMEDIATE C. Identifiers: Orphanet 369867, MedGen C3809309, MONDO:0014154, OMIM 615376.

Submissions (2):

Genomic Medicine Center of Excellence, King Faisal Specialist Hospital and Research Centre
Classification: Likely pathogenic for Charcot-Marie-Tooth disease recessive intermediate C. Last evaluated: 2024-04-04. Review status: criteria provided, single submitter. Criteria: ACMG Guidelines, 2015. Collection method: clinical testing. Allele origin: germline.

Labcorp Genetics (formerly Invitae), Labcorp
Classification: Pathogenic for Neuronopathy, distal hereditary motor, autosomal recessive 4; Charcot-Marie-Tooth disease recessive intermediate C. Last evaluated: 2023-10-26. Review status: criteria provided, single submitter. Criteria: Invitae Variant Classification Sherloc (09022015). Collection method: clinical testing. Allele origin: germline.
Comment: This sequence change creates a premature translational stop signal (p.Glu443*) in the PLEKHG5 gene. It is expected to result in an absent or disrupted protein product. Loss-of-function variants in PLEKHG5 are known to be pathogenic (PMID: 17564964, 23777631). This variant is not present in population databases (gnomAD no frequency). This variant has not been reported in the literature in individuals affected with PLEKHG5-related conditions. For these reasons, this variant has been classified as Pathogenic.

Literature cited by the submitters: PubMed 17564964 (cited by Labcorp Genetics (formerly Invitae), Labcorp); PubMed 23777631 (cited by Labcorp Genetics (formerly Invitae), Labcorp).

NM_020631.6(PLEKHG5):c.1327G>T (p.Glu443Ter)

Gene: PLEKHG5 (pleckstrin homology and RhoGEF domain containing G5; minus strand). Cytogenetic location: 1p36.31.
Variant type: single nucleotide variant.
Coding change: c.1327G>T on transcript NM_020631.6 (MANE Select); coding-DNA position 1327, G replaced by T.
Protein change: p.Glu443Ter; replaces glutamic acid 443 with a stop codon.
Molecular consequence: nonsense.
Genome position (GRCh38, 1-based): chr1:6,471,055, C>A on the plus strand (G>T on the coding strand, the complement: PLEKHG5 is on the minus strand). VCF-style: chr1-6471055-C-A. GRCh37 (hg19) VCF-style: chr1-6531115-C-A.
Other names: c.1534G>T (NM_001265593.1); c.1438G>T, p.Glu480Ter (NM_001042663.3, NM_001265592.2); c.1327G>T, p.Glu443Ter (NM_001042664.2, NM_001042665.2, NM_001265594.3 and 1 more transcripts); c.1534G>T, p.Glu512Ter (NM_001265593.2); short protein forms E512*, E443*, E480*.
Identifiers: ClinVar variation 2953089 (VCV002953089.4), dbSNP rs750665866, ClinGen allele CA338127958.